The following is an entry in ClinVar:

ClinVar aggregate classification (germline): Uncertain significance (1 of 4 stars; one submission).

Allele frequency attached by ClinVar (database versions not stated): gnomAD exomes below 0.00001.
gnomAD v4.1: 10 of 1,611,482 alleles (0.00062%); highest among the groups gnomAD compares: Non-Finnish European, 0.00076%; no homozygotes.

Submission:

Labcorp Genetics (formerly Invitae), Labcorp
Classification: Uncertain significance. Last evaluated: 2022-08-09. Review status: criteria provided, single submitter. Criteria: Invitae Variant Classification Sherloc (09022015). Collection method: clinical testing. Allele origin: germline.
Comment: The frequency data for this variant in the population databases is considered unreliable, as metrics indicate poor data quality at this position in the gnomAD database. In summary, the available evidence is currently insufficient to determine the role of this variant in disease. Therefore, it has been classified as a Variant of Uncertain Significance. Algorithms developed to predict the effect of missense changes on protein structure and function are either unavailable or do not agree on the potential impact of this missense change (SIFT: "Tolerated"; PolyPhen-2: "Not Available"; Align-GVGD: "Class C0"). ClinVar contains an entry for this variant (Variation ID: 1681296). This variant has not been reported in the literature in individuals affected with KIAA1161-related conditions. This sequence change replaces valine, which is neutral and non-polar, with phenylalanine, which is neutral and non-polar, at codon 485 of the KIAA1161 protein (p.Val485Phe).

NM_020702.5(MYORG):c.1453G>T (p.Val485Phe)

Gene: MYORG (myogenesis regulating glycosidase; minus strand). Cytogenetic location: 9p13.3.
Variant type: single nucleotide variant.
Coding change: c.1453G>T on transcript NM_020702.5 (MANE Select); coding-DNA position 1453, G replaced by T.
Protein change: p.Val485Phe; replaces valine 485 with phenylalanine.
Molecular consequence: missense variant.
Genome position (GRCh38, 1-based): chr9:34,371,491, C>A on the plus strand (G>T on the coding strand, the complement: MYORG is on the minus strand). VCF-style: chr9-34371491-C-A. GRCh37 (hg19) VCF-style: chr9-34371489-C-A.
Other names: short protein forms V485F.
Identifiers: ClinVar variation 1681296 (VCV001681296.6), dbSNP rs1421191400, ClinGen allele CA373241192.